The following is an entry in ClinVar:

NM_172107.4(KCNQ2):c.923C>T (p.Pro308Leu)

Gene: KCNQ2 (potassium voltage-gated channel subfamily Q member 2; minus strand). Cytogenetic location: 20q13.33.
Variant type: single nucleotide variant.
Coding change: c.923C>T on transcript NM_172107.4 (MANE Select); coding-DNA position 923, C replaced by T.
Protein change: p.Pro308Leu; replaces proline 308 with leucine.
Molecular consequence: missense variant.
Genome position (GRCh38, 1-based): chr20:63,439,602, G>A on the plus strand (C>T on the coding strand, the complement: KCNQ2 is on the minus strand). VCF-style: chr20-63439602-G-A. GRCh37 (hg19) VCF-style: chr20-62070955-G-A.
Other names: c.923C>T (NM_172107.2); c.923C>T, p.Pro308Leu (NM_001382235.1, NM_004518.6, NM_172106.3 and 2 more transcripts); short protein forms P308L.
Identifiers: ClinVar variation 2572483 (VCV002572483.5), dbSNP rs2516418427, ClinGen allele CA409652439.

ClinVar aggregate classification (germline): Pathogenic/Likely pathogenic. Review status: criteria provided, multiple submitters, no conflicts (2 of 4 stars). 3 submissions from 3 submitters: Pathogenic (2); Likely pathogenic (1). Last evaluated 2024-07-26.

Conditions:
Developmental and epileptic encephalopathy, 7 (DEE7). Also called: KCNQ2-Related Neonatal Epileptic Encephalopathy; Early infantile epileptic encephalopathy 7; KCNQ2-Related Neonatal-Onset Developmental and Epileptic Encephalopathy (NEO-DEE). Identifiers: Orphanet 439218, MedGen C3150986, MONDO:0013387, OMIM 613720.
Early-infantile DEE. Also called: Early infantile epileptic encephalopathy; Ohtahara syndrome; Early infantile epileptic encephalopathy with suppression bursts. Identifiers: Orphanet 1934, MedGen C0393706, MONDO:0800491.

Submissions (3):

GeneDx
Classification: Pathogenic. Last evaluated: 2024-07-26. Review status: criteria provided, single submitter. Criteria: GeneDx Variant Classification Process June 2021. Collection method: clinical testing. Allele origin: germline. Affected: yes.
Comment: Not observed at significant frequency in large population cohorts (gnomAD); This substitution is predicted to be within the transmembrane segment S6; In silico analysis supports that this missense variant has a deleterious effect on protein structure/function; This variant is associated with the following publications: (PMID: 33860439, 24848745)

Labcorp Genetics (formerly Invitae), Labcorp
Classification: Pathogenic for Early-infantile DEE. Last evaluated: 2023-08-02. Review status: criteria provided, single submitter. Criteria: Invitae Variant Classification Sherloc (09022015). Collection method: clinical testing. Allele origin: germline.
Comment: For these reasons, this variant has been classified as Pathogenic. This variant disrupts the p.Pro308 amino acid residue in KCNQ2. Other variant(s) that disrupt this residue have been determined to be pathogenic (PMID: 31418850). This suggests that this residue is clinically significant, and that variants that disrupt this residue are likely to be disease-causing. Advanced modeling of protein sequence and biophysical properties (such as structural, functional, and spatial information, amino acid conservation, physicochemical variation, residue mobility, and thermodynamic stability) performed at Invitae indicates that this missense variant is expected to disrupt KCNQ2 protein function. ClinVar contains an entry for this variant (Variation ID: 2572483). This missense change has been observed in individual(s) with a neurodevelopmental disorder and/or developmental and epileptic encephalopathy (PMID: 24848745, 33860439). In at least one individual the variant was observed to be de novo. This variant is not present in population databases (gnomAD no frequency). This sequence change replaces proline, which is neutral and non-polar, with leucine, which is neutral and non-polar, at codon 308 of the KCNQ2 protein (p.Pro308Leu).

3billion
Classification: Likely pathogenic for Developmental and epileptic encephalopathy, 7. Review status: criteria provided, single submitter. Criteria: ACMG Guidelines, 2015. Collection method: clinical testing. Allele origin: unknown. Affected: yes. Observed: 1 heterozygote.
Comment: The variant is not observed in the gnomAD v2.1.1 dataset. Missense changes are a common disease-causing mechanism. In silico tool predictions suggest damaging effect of the variant on gene or gene product (REVEL: 0.88; 3Cnet: 0.98). Same nucleotide change resulting in same amino acid change has been previously reported to be associated with KCNQ2 related disorder (PMID: 24848745). A different missense change at the same codon (p.Pro308Ser) has been reported to be associated with KCNQ2 related disorder (ClinVar ID: VCV001709043 / PMID: 31418850). Therefore, this variant is classified as Likely pathogenic according to the recommendation of ACMG/AMP guideline.

Literature cited by the submitters: PubMed 31418850 (cited by Labcorp Genetics (formerly Invitae), Labcorp and 3billion); PubMed 24848745 (cited by Labcorp Genetics (formerly Invitae), Labcorp and 3billion); PubMed 33860439 (cited by Labcorp Genetics (formerly Invitae), Labcorp).